The following is an entry in ClinVar:

ClinVar aggregate classification (germline): Uncertain significance (0 of 4 stars; one submission).

Conditions:
SEMA3F-related disorder. Also called: SEMA3F-related condition.

gnomAD v4.1: 4 of 1,586,556 alleles (0.00025%); highest among the groups gnomAD compares: Non-Finnish European, 0.00026%; no homozygotes.

Submission:

PreventionGenetics, part of Exact Sciences
Classification: Uncertain significance for SEMA3F-related condition. Last evaluated: 2024-04-09. Review status: no assertion criteria provided. Collection method: clinical testing. Allele origin: germline.
Comment: The SEMA3F c.2294G>T variant is predicted to result in the amino acid substitution p.Arg765Leu. To our knowledge, this variant has not been reported in the literature. This variant is reported in 0.0040% of alleles in individuals of European (Non-Finnish) descent in gnomAD. At this time, the clinical significance of this variant is uncertain due to the absence of conclusive functional and genetic evidence.

NM_004186.5(SEMA3F):c.2294G>T (p.Arg765Leu)

Gene: SEMA3F (semaphorin 3F; plus strand). Cytogenetic location: 3p21.31.
Variant type: single nucleotide variant.
Coding change: c.2294G>T on transcript NM_004186.5 (MANE Select); coding-DNA position 2294, G replaced by T.
Protein change: p.Arg765Leu; replaces arginine 765 with leucine.
Molecular consequence: missense variant.
Genome position (GRCh38, 1-based): chr3:50,188,051, G>T. VCF-style: chr3-50188051-G-T. GRCh37 (hg19) VCF-style: chr3-50225484-G-T.
Other names: c.1997G>T, p.Arg666Leu (NM_001318798.2); c.2201G>T, p.Arg734Leu (NM_001318800.2); short protein forms R666L, R734L, R765L.
Identifiers: ClinVar variation 3348198 (VCV003348198.1).